The following is an entry in ClinVar:

NM_018706.7(DHTKD1):c.331del (p.Glu111fs)

Gene: DHTKD1 (dehydrogenase E1 and transketolase domain containing 1; plus strand). Cytogenetic location: 10p14.
Variant type: Deletion.
Coding change: c.331del on transcript NM_018706.7 (MANE Select); coding-DNA position 331, one base deleted (G; older notation c.331delG).
Protein change: p.Glu111fs; shifts the reading frame from glutamic acid 111.
Molecular consequence: frameshift variant.
Genome position (GRCh38, 1-based): chr10:12,084,560, G deleted; the last of 2 consecutive G bases (chr10:12,084,559-12,084,560); deleting either gives the same sequence. VCF-style (leftmost placement, unchanged base first): chr10-12084558-AG-A. GRCh37 (hg19) VCF-style: chr10-12126557-AG-A.
Other names: short protein forms E111fs.
Identifiers: ClinVar variation 2747798 (VCV002747798.3), dbSNP rs2491470714, ClinGen allele CA2697558273.

ClinVar aggregate classification (germline): Pathogenic (1 of 4 stars; one submission).

Conditions:
2-aminoadipic 2-oxoadipic aciduria (AAKAD). Also called: ALPHA-AMINOADIPIC AND ALPHA-KETOADIPIC ACIDURIA; Aminoadipic aciduria. Identifiers: Orphanet 79154, MedGen C1859817, MONDO:0008774, OMIM 204750.

Submission:

Labcorp Genetics (formerly Invitae), Labcorp
Classification: Pathogenic for 2-aminoadipic 2-oxoadipic aciduria. Last evaluated: 2023-08-04. Review status: criteria provided, single submitter. Criteria: Invitae Variant Classification Sherloc (09022015). Collection method: clinical testing. Allele origin: germline.
Comment: This sequence change creates a premature translational stop signal (p.Glu111Lysfs*9) in the DHTKD1 gene. It is expected to result in an absent or disrupted protein product. Loss-of-function variants in DHTKD1 are known to be pathogenic (PMID: 23141293, 25860818). This variant is not present in population databases (gnomAD no frequency). This variant has not been reported in the literature in individuals affected with DHTKD1-related conditions. For these reasons, this variant has been classified as Pathogenic.

Literature cited by the submitters: PubMed 23141293; PubMed 25860818.